The following is an entry in ClinVar:

NM_022464.5(SIL1):c.430A>G (p.Met144Val)

Gene: SIL1 (SIL1 nucleotide exchange factor; minus strand). Cytogenetic location: 5q31.2.
Variant type: single nucleotide variant.
Coding change: c.430A>G on transcript NM_022464.5 (MANE Select); coding-DNA position 430, A replaced by G.
Protein change: p.Met144Val; replaces methionine 144 with valine.
Molecular consequence: missense variant.
Genome position (GRCh38, 1-based): chr5:139,042,643, T>C on the plus strand (A>G on the coding strand, the complement: SIL1 is on the minus strand). VCF-style: chr5-139042643-T-C. GRCh37 (hg19) VCF-style: chr5-138378332-T-C.
Other names: p.Met144Val; c.430A>G, p.Met144Val (NM_001037633.2); c.430A>G (NM_022464.4); short protein forms M144V.
Identifiers: ClinVar variation 2050647 (VCV002050647.9), dbSNP rs199707852, ClinGen allele CA3432590.
Genomic context (GRCh38, chr5:139,042,643, plus strand): 5'-CTGCAGGCTTATACTCACAGGAAAAATAATCACACACCTTGTCTTCCTTTGAACTCTCCA[T>C]CTCTGCCCCCTCCTTGAATTTTGCCAGTGCACTCTTGAGATCCTGAGATGTGTAGGTGTT-3'
Protein context (NP_071909.1, residues 134-154): ALAKFKEGAE[Met144Val]ESSKEDKARQ

ClinVar aggregate classification (germline): Conflicting classifications of pathogenicity. Review status: criteria provided, conflicting classifications (1 of 4 stars). 4 submissions from 4 submitters: Uncertain significance (1); Likely benign (3). Last evaluated 2025-11-18.

Conditions:
Marinesco-Sjögren syndrome (MSS). Also called: Marinesco-SjÃ¶gren syndrome; Marinesco-Sjogren Syndrome. Identifiers: Orphanet 559, MedGen C0024814, MONDO:0009567, OMIM 248800.

Allele frequency attached by ClinVar (database versions not stated): TOPMed 0.00003; ESP Exome Variant Server 0.00008; gnomAD exomes 0.00013; ExAC 0.00026; gnomAD 0.00026.

Submissions (4):

Labcorp Genetics (formerly Invitae), Labcorp
Classification: Likely benign for Marinesco-Sjögren syndrome. Last evaluated: 2025-11-18. Review status: criteria provided, single submitter. Criteria: Invitae Variant Classification Sherloc (09022015). Collection method: clinical testing. Allele origin: germline.

Mayo Clinic Laboratories, Mayo Clinic
Classification: Likely benign. Last evaluated: 2025-03-20. Review status: criteria provided, single submitter. Criteria: ACMG Guidelines, 2015. Collection method: clinical testing. Allele origin: germline. Observed: 1 variant allele.
Comment: BS1, BP4_moderate

Blueprint Genetics
Classification: Likely benign. Last evaluated: 2023-11-10. Review status: criteria provided, single submitter. Criteria: ACMG Guidelines, 2015. Collection method: clinical testing. Allele origin: germline.

Revvity Omics, Revvity
Classification: Uncertain significance for Marinesco-Sjögren syndrome. Last evaluated: 2020-03-10. Review status: criteria provided, single submitter. Criteria: ACMG Guidelines, 2015. Collection method: clinical testing. Allele origin: germline.